The following is an entry in ClinVar:

NM_005876.5(SPEG):c.8379G>T (p.Arg2793Ser)

Genes: ASIC4-AS1 (ASIC4 antisense RNA 1; minus strand), SPEG (striated muscle enriched protein kinase; plus strand). Cytogenetic location: 2q35.
Variant type: single nucleotide variant.
Coding change: c.8379G>T on transcript NM_005876.5 (MANE Select); coding-DNA position 8379, G replaced by T.
Protein change: p.Arg2793Ser; replaces arginine 2793 with serine.
Molecular consequence: missense variant.
Genome position (GRCh38, 1-based): chr2:219,489,397, G>T. VCF-style: chr2-219489397-G-T. GRCh37 (hg19) VCF-style: chr2-220354119-G-T.
Other names: short protein forms R2793S.
Identifiers: ClinVar variation 1435893 (VCV001435893.6), dbSNP rs750076433, ClinGen allele CA2127476.
Genomic context (GRCh38, chr2:219,489,397, plus strand): 5'-TTCTTCAGCTGTGCCATCTGCTGCCCACCAAGAGGCCCCTGTCACCTCAAGGCCAGCCAG[G>T]GCCCGGCCTCCTGACTCTCCTACCTCACTGGCCCCACCCCTAGCTCCTGCTGCCCCCACA-3'
Protein context (NP_005867.3, residues 2783-2803): QEAPVTSRPA[Arg2793Ser]ARPPDSPTSL

ClinVar aggregate classification (germline): Uncertain significance (1 of 4 stars; one submission).

Allele frequency attached by ClinVar (database versions not stated): gnomAD exomes 0.00001; TOPMed 0.00001; ExAC 0.00001; gnomAD 0.00001.
gnomAD v4.1: 10 of 1,612,806 alleles (0.00062%); highest among the groups gnomAD compares: Non-Finnish European, 0.00076%; no homozygotes.

Submission:

Labcorp Genetics (formerly Invitae), Labcorp
Classification: Uncertain significance. Last evaluated: 2022-11-22. Review status: criteria provided, single submitter. Criteria: Invitae Variant Classification Sherloc (09022015). Collection method: clinical testing. Allele origin: germline.
Comment: In summary, the available evidence is currently insufficient to determine the role of this variant in disease. Therefore, it has been classified as a Variant of Uncertain Significance. Algorithms developed to predict the effect of missense changes on protein structure and function (SIFT, PolyPhen-2, Align-GVGD) all suggest that this variant is likely to be tolerated. ClinVar contains an entry for this variant (Variation ID: 1435893). This variant has not been reported in the literature in individuals affected with SPEG-related conditions. This variant is present in population databases (rs750076433, gnomAD 0.002%). This sequence change replaces arginine, which is basic and polar, with serine, which is neutral and polar, at codon 2793 of the SPEG protein (p.Arg2793Ser).